The following is an entry in ClinVar:

ClinVar aggregate classification (germline): Benign (1 of 4 stars; one submission).

Allele frequency attached by ClinVar (database versions not stated): 1000 Genomes Project 0.42652; 1000 Genomes Project 30x 0.43457; gnomAD 0.49223 and 0.49927; TOPMed 0.49261.
gnomAD v4.1: 74,817 of 152,124 alleles (49%); highest among the groups gnomAD compares: African/African-American, 56%; 18,744 homozygotes.

Submission:

GeneDx
Classification: Benign. Last evaluated: 2018-06-18. Review status: criteria provided, single submitter. Criteria: GeneDx Variant Classification (06012015). Collection method: clinical testing. Allele origin: germline. Affected: yes.
Comment: This variant is considered likely benign or benign based on one or more of the following criteria: it is a conservative change, it occurs at a poorly conserved position in the protein, it is predicted to be benign by multiple in silico algorithms, and/or has population frequency not consistent with disease.

NM_000814.6(GABRB3):c.683-257G>A

Gene: GABRB3 (gamma-aminobutyric acid type A receptor subunit beta3; minus strand). Cytogenetic location: 15q12.
Variant type: single nucleotide variant.
Coding change: c.683-257G>A on transcript NM_000814.6 (MANE Select); 257 bases into the intron before coding-DNA position 683, G replaced by A.
Molecular consequence: intron variant.
Genome position (GRCh38, 1-based): chr15:26,567,990, C>T on the plus strand (G>A on the coding strand, the complement: GABRB3 is on the minus strand). VCF-style: chr15-26567990-C-T. GRCh37 (hg19) VCF-style: chr15-26813137-C-T.
Other names: c.683-257G>A (NM_021912.5); c.428-257G>A (NM_001278631.2, NM_001191320.2); c.470-257G>A (NM_001191321.3).
Identifiers: ClinVar variation 668798 (VCV000668798.1), dbSNP rs7167688, ClinGen allele CA14168254.